The following is an entry in ClinVar:

ClinVar aggregate classification (germline): Likely benign. Review status: criteria provided, multiple submitters, no conflicts (2 of 4 stars). 4 submissions from 4 submitters: Likely benign (3). 1 of the submissions does not count toward it. Last evaluated 2024-02-23.

Conditions:
RAD50-related disorder. Also called: RAD50-related condition.
Hereditary cancer-predisposing syndrome. Also called: Neoplastic Syndromes, Hereditary; Hereditary neoplastic syndrome; Tumor predisposition; Hereditary Cancer Syndrome. Identifiers: Orphanet 140162, MedGen C0027672, MeSH D009386, MONDO:0015356.

Allele frequency attached by ClinVar (database versions not stated): gnomAD 0.00001; gnomAD exomes 0.00001; TOPMed 0.00004.
gnomAD v4.1: 6 of 1,613,876 alleles (0.00037%); highest among the groups gnomAD compares: African/African-American, 0.008%; no homozygotes.

Submissions (4):

Labcorp Genetics (formerly Invitae), Labcorp
Classification: Likely benign for Hereditary cancer-predisposing syndrome. Last evaluated: 2024-02-23. Review status: criteria provided, single submitter. Criteria: Invitae Variant Classification Sherloc (09022015). Collection method: clinical testing. Allele origin: germline.

Quest Diagnostics Nichols Institute San Juan Capistrano
Classification: Likely benign. Last evaluated: 2021-08-06. Review status: criteria provided, single submitter. Criteria: Quest Diagnostics criteria. Collection method: clinical testing. Allele origin: unknown.

Ambry Genetics
Classification: Likely benign for Hereditary cancer-predisposing syndrome. Last evaluated: 2017-05-12. Review status: criteria provided, single submitter. Criteria: Ambry Variant Classification Scheme 2023. Collection method: clinical testing. Allele origin: germline.

PreventionGenetics, part of Exact Sciences
Classification: Likely benign for RAD50-related condition. Last evaluated: 2024-08-29. Review status: no assertion criteria provided. Collection method: clinical testing. Allele origin: germline. Not counted in ClinVar's aggregate classification.
Comment: This variant is classified as likely benign based on ACMG/AMP sequence variant interpretation guidelines (Richards et al. 2015 PMID: 25741868, with internal and published modifications).

NM_005732.4(RAD50):c.3288A>G (p.Gln1096=)

Gene: RAD50 (RAD50 double strand break repair protein; plus strand). Cytogenetic location: 5q31.1.
Variant type: single nucleotide variant.
Coding change: c.3288A>G on transcript NM_005732.4 (MANE Select); coding-DNA position 3288, A replaced by G.
Protein change: p.Gln1096=; no amino-acid change (glutamine 1096 retained).
Molecular consequence: synonymous variant.
Genome position (GRCh38, 1-based): chr5:132,618,193, A>G. VCF-style: chr5-132618193-A-G. GRCh37 (hg19) VCF-style: chr5-131953885-A-G.
Identifiers: ClinVar variation 240236 (VCV000240236.18), dbSNP rs878854798, ClinGen allele CA10582390.
Genomic context (GRCh38, chr5:132,618,193, plus strand): 5'-GCGACAGAAAGGTTATGAAGAAGAAATTATTCATTTTAAGAAAGAACTTCGAGAACCACA[A>G]TTTCGGGATGCTGAGGAAAAGTATAGAGAAATGATGATTGTTATGAGGACAACAGAACTT-3'
Protein context (NP_005723.2, residues 1086-1106): IHFKKELREP[Gln1096=]FRDAEEKYRE